The following is an entry in ClinVar:

ClinVar aggregate classification (germline): Uncertain significance (1 of 4 stars; one submission).

Allele frequency attached by ClinVar (database versions not stated): TOPMed 0.00008; gnomAD exomes 0.00001 and 0.00002; ExAC 0.00003; gnomAD 0.00005; ESP Exome Variant Server 0.00008.
gnomAD v4.1: 23 of 1,613,992 alleles (0.0014%); highest among the groups gnomAD compares: African/African-American, 0.029%; no homozygotes.

Submission:

Labcorp Genetics (formerly Invitae), Labcorp
Classification: Uncertain significance. Last evaluated: 2025-08-05. Review status: criteria provided, single submitter. Criteria: Invitae Variant Classification Sherloc (09022015). Collection method: clinical testing. Allele origin: germline.
Comment: This sequence change falls in intron 20 of the DUOX2 gene. It does not directly change the encoded amino acid sequence of the DUOX2 protein. It affects a nucleotide within the consensus splice site. This variant is present in population databases (rs371366387, gnomAD 0.02%). This variant has not been reported in the literature in individuals affected with DUOX2-related conditions. ClinVar contains an entry for this variant (Variation ID: 1497168). Variants that disrupt the consensus splice site are a relatively common cause of aberrant splicing (PMID: 17576681, 9536098). Algorithms developed to predict the effect of sequence changes on RNA splicing suggest that this variant is not likely to affect RNA splicing. In summary, the available evidence is currently insufficient to determine the role of this variant in disease. Therefore, it has been classified as a Variant of Uncertain Significance.

Literature cited by the submitters: PubMed 17576681; PubMed 9536098.

NM_001363711.2(DUOX2):c.2655-3C>T

Gene: DUOX2 (dual oxidase 2; minus strand). Cytogenetic location: 15q21.1.
Variant type: single nucleotide variant.
Coding change: c.2655-3C>T on transcript NM_001363711.2 (MANE Select); 3 bases into the intron before coding-DNA position 2655, C replaced by T.
Molecular consequence: intron variant.
Genome position (GRCh38, 1-based): chr15:45,101,992, G>A on the plus strand (C>T on the coding strand, the complement: DUOX2 is on the minus strand). VCF-style: chr15-45101992-G-A. GRCh37 (hg19) VCF-style: chr15-45394190-G-A.
Other names: c.2655-3C>T (NM_014080.5).
Identifiers: ClinVar variation 1497168 (VCV001497168.5), dbSNP rs371366387, ClinGen allele CA7538183.
Genomic context (GRCh38, chr15:45,101,992, plus strand): 5'-CACCACCTCGGCCAGCTGGGCCTTGGACAGGCAGTTGTTGGAGATCTCGATGAAGGATCT[G>A]GAGGAGGACCAGAGACACAGCAGCCTGTCACCCAGCAAGGTCAGGCTTGGGTAGGTGCAG-3'